The following is an entry in ClinVar:

NM_000219.6(KCNE1):c.167T>A (p.Phe56Tyr)

Gene: KCNE1 (potassium voltage-gated channel subfamily E regulatory subunit 1; minus strand). Cytogenetic location: 21q22.12.
Variant type: single nucleotide variant.
Coding change: c.167T>A on transcript NM_000219.6 (MANE Select); coding-DNA position 167, T replaced by A.
Protein change: p.Phe56Tyr; replaces phenylalanine 56 with tyrosine.
Molecular consequence: missense variant.
Genome position (GRCh38, 1-based): chr21:34,449,468, A>T on the plus strand (T>A on the coding strand, the complement: KCNE1 is on the minus strand). VCF-style: chr21-34449468-A-T. GRCh37 (hg19) VCF-style: chr21-35821766-A-T.
Other names: c.167T>A, p.Phe56Tyr (NM_001127668.4, NM_001127669.4, NM_001127670.4 and 4 more transcripts); short protein forms F56Y.
Identifiers: ClinVar variation 3374223 (VCV003374223.2).

Conditions:
Long QT syndrome 5 (LQT5). Identifiers: Orphanet 101016, Orphanet 768, MedGen C1867904, MONDO:0013372, OMIM 613695.

Submission:

Roden Lab, Vanderbilt University Medical Center
No classification provided (evidence only). Condition: Long QT syndrome 5. Review status: no classification provided. Collection method: in vitro. Allele origin: not applicable. Functional consequence: Effect on ion channel function.
ClinVar note: "not provided" was previously submitted as the classification for the variant. However, the classification appeared to be based only on an observation of functional data so it was converted to no classification on 2025-07-30.